The following is an entry in ClinVar:

NM_052876.4(NACC1):c.1227-4C>T

Gene: NACC1 (nucleus accumbens associated 1; plus strand). Cytogenetic location: 19p13.13.
Variant type: single nucleotide variant.
Coding change: c.1227-4C>T on transcript NM_052876.4 (MANE Select); 4 bases into the intron before coding-DNA position 1227, C replaced by T.
Molecular consequence: intron variant.
Genome position (GRCh38, 1-based): chr19:13,137,474, C>T. VCF-style: chr19-13137474-C-T. GRCh37 (hg19) VCF-style: chr19-13248288-C-T.
Identifiers: ClinVar variation 779043 (VCV000779043.15), dbSNP rs189998121, ClinGen allele CA9238496.

ClinVar aggregate classification (germline): Benign/Likely benign. Review status: criteria provided, multiple submitters, no conflicts (2 of 4 stars). 3 submissions from 3 submitters: Benign (2); Likely benign (1). Last evaluated 2026-02-01.

Allele frequency attached by ClinVar (database versions not stated): 1000 Genomes Project 0.00100; gnomAD 0.00124 and 0.00128; TOPMed 0.00136; gnomAD exomes 0.00142; ESP Exome Variant Server 0.00177; ExAC 0.00196.
gnomAD v4.1: 2,713 of 1,607,022 alleles (0.17%); highest among the groups gnomAD compares: Non-Finnish European, 0.2%; 6 homozygotes.

Submissions (3):

CeGaT Center for Human Genetics Tuebingen
Classification: Benign. Last evaluated: 2026-02-01. Review status: criteria provided, single submitter. Criteria: CeGaT Center For Human Genetics Tuebingen Variant Classification Criteria Version 2. Collection method: clinical testing. Allele origin: germline. Affected: yes. Observed: 1 variant allele.
Comment: NACC1: BS1, BS2

Labcorp Genetics (formerly Invitae), Labcorp
Classification: Benign. Last evaluated: 2026-01-31. Review status: criteria provided, single submitter. Criteria: Invitae Variant Classification Sherloc (09022015). Collection method: clinical testing. Allele origin: germline.

Blueprint Genetics
Classification: Likely benign. Last evaluated: 2024-11-08. Review status: criteria provided, single submitter. Criteria: ACMG Guidelines, 2015. Collection method: clinical testing. Allele origin: germline.